The following is an entry in ClinVar:

NM_003072.5(SMARCA4):c.3796A>G (p.Ser1266Gly)

Gene: SMARCA4 (SWI/SNF related BAF chromatin remodeling complex subunit ATPase 4; plus strand). Cytogenetic location: 19p13.2.
Variant type: single nucleotide variant.
Coding change: c.3796A>G on transcript NM_003072.5 (MANE Select); coding-DNA position 3796, A replaced by G.
Protein change: p.Ser1266Gly; replaces serine 1266 with glycine.
Molecular consequence: missense variant. On other transcripts: intron variant (6).
Genome position (GRCh38, 1-based): chr19:11,033,788, A>G. VCF-style: chr19-11033788-A-G. GRCh37 (hg19) VCF-style: chr19-11144464-A-G.
Other names: c.3796A>G, p.Ser1266Gly (NM_001128844.3, NM_001128849.3, NM_001387283.1); c.3774+271A>G (NM_001128847.4, NM_001411150.1, NM_001374457.1 and 3 more transcripts); short protein forms S1266G.
Identifiers: ClinVar variation 4802581 (VCV004802581.1).
Genomic context (GRCh38, chr19:11,033,788, plus strand): 5'-TGACAGCCCTGGAGACTGAAGTCCTCTATTTATCCACAGAGCAGACACTGCAGCACGGGC[A>G]GCGGCAGTGCCAGCTTCGCCCACACTGCCCCTCCGCCAGCGGGCGTCAACCCCGACTTGG-3'
Protein context (NP_003063.2, residues 1256-1276): QDESRHCSTG[Ser1266Gly]GSASFAHTAP

ClinVar aggregate classification (germline): Uncertain significance (1 of 4 stars; one submission).

Conditions:
Rhabdoid tumor predisposition syndrome 2 (RTPS2). Identifiers: Orphanet 231108, Orphanet 69077, MedGen C2750074, MONDO:0013224, OMIM 613325.

Submission:

Labcorp Genetics (formerly Invitae), Labcorp
Classification: Uncertain significance for Rhabdoid tumor predisposition syndrome 2. Last evaluated: 2025-07-09. Review status: criteria provided, single submitter. Criteria: Invitae Variant Classification Sherloc (09022015). Collection method: clinical testing. Allele origin: germline.
Comment: This sequence change replaces serine, which is neutral and polar, with glycine, which is neutral and non-polar, at codon 1266 of the SMARCA4 protein (p.Ser1266Gly). This variant is not present in population databases (gnomAD no frequency). This variant has not been reported in the literature in individuals affected with SMARCA4-related conditions. An algorithm developed to predict the effect of missense changes on protein structure and function (PolyPhen-2) suggests that this variant is likely to be tolerated. In summary, the available evidence is currently insufficient to determine the role of this variant in disease. Therefore, it has been classified as a Variant of Uncertain Significance.